The following is an entry in ClinVar:

NM_001029883.3(PCARE):c.1299A>G (p.Pro433=)

Gene: PCARE (photoreceptor cilium actin regulator; minus strand). Cytogenetic location: 2p23.2.
Variant type: single nucleotide variant.
Coding change: c.1299A>G on transcript NM_001029883.3 (MANE Select); coding-DNA position 1299, A replaced by G.
Protein change: p.Pro433=; no amino-acid change (proline 433 retained).
Molecular consequence: synonymous variant.
Genome position (GRCh38, 1-based): chr2:29,072,963, T>C on the plus strand (A>G on the coding strand, the complement: PCARE is on the minus strand). VCF-style: chr2-29072963-T-C. GRCh37 (hg19) VCF-style: chr2-29295829-T-C.
Identifiers: ClinVar variation 4986016 (VCV004986016.1).

ClinVar aggregate classification (germline): Likely benign (1 of 4 stars; one submission).

Conditions:
PCARE-related disorder. Also called: PCARE-related condition.

gnomAD v4.1: 1 of 1,614,114 alleles (0.000062%); highest among the groups gnomAD compares: Admixed American, 0.0017%; no homozygotes.

Submission:

PreventionGenetics, part of Exact Sciences
Classification: Likely benign for PCARE-related condition. Last evaluated: 2026-04-16. Review status: criteria provided, single submitter. Criteria: ACMG Guidelines, 2015. Collection method: clinical testing. Allele origin: germline.
Comment: This variant is classified as likely benign based on ACMG/AMP sequence variant interpretation guidelines (Richards et al. 2015 PMID: 25741868, with internal and published modifications).